The following is an entry in ClinVar:

NM_000455.5(STK11):c.1199T>G (p.Leu400Arg)

Gene: STK11 (serine/threonine kinase 11; plus strand). Cytogenetic location: 19p13.3.
Variant type: single nucleotide variant.
Coding change: c.1199T>G on transcript NM_000455.5 (MANE Select); coding-DNA position 1199, T replaced by G.
Protein change: p.Leu400Arg; replaces leucine 400 with arginine.
Molecular consequence: missense variant.
Genome position (GRCh38, 1-based): chr19:1,226,544, T>G. VCF-style: chr19-1226544-T-G. GRCh37 (hg19) VCF-style: chr19-1226543-T-G.
Other names: short protein forms L400R.
Identifiers: ClinVar variation 1746754 (VCV001746754.9), dbSNP rs747545317, ClinGen allele CA402953676.

ClinVar aggregate classification (germline): Uncertain significance. Review status: criteria provided, multiple submitters, no conflicts (2 of 4 stars). 3 submissions from 3 submitters: Uncertain significance (3). Last evaluated 2025-07-14.

Conditions:
Peutz-Jeghers syndrome (PJS). Also called: POLYPOSIS, HAMARTOMATOUS INTESTINAL; POLYPS-AND-SPOTS SYNDROME; Peutz-Jeghers polyposis; Periorificial lentiginosis syndrome. Identifiers: Orphanet 2869, MedGen C0031269, MeSH D010580, MONDO:0008280, OMIM 175200.
Hereditary cancer-predisposing syndrome. Also called: Neoplastic Syndromes, Hereditary; Tumor predisposition; Hereditary Cancer Syndrome; Hereditary neoplastic syndrome. Identifiers: Orphanet 140162, MedGen C0027672, MeSH D009386, MONDO:0015356.

Allele frequency attached by ClinVar (database versions not stated): TOPMed below 0.00001.

Submissions (3):

Ambry Genetics
Classification: Uncertain significance for Hereditary cancer-predisposing syndrome. Last evaluated: 2025-07-14. Review status: criteria provided, single submitter. Criteria: Ambry Variant Classification Scheme 2023. Collection method: clinical testing. Allele origin: germline.
Comment: The p.L400R variant (also known as c.1199T>G), located in coding exon 9 of the STK11 gene, results from a T to G substitution at nucleotide position 1199. The leucine at codon 400 is replaced by arginine, an amino acid with dissimilar properties. This amino acid position is not well conserved in available vertebrate species. In addition, this alteration is predicted to be tolerated by in silico analysis. Based on the available evidence, the clinical significance of this variant remains unclear.

Labcorp Genetics (formerly Invitae), Labcorp
Classification: Uncertain significance for Peutz-Jeghers syndrome. Last evaluated: 2024-10-16. Review status: criteria provided, single submitter. Criteria: Invitae Variant Classification Sherloc (09022015). Collection method: clinical testing. Allele origin: germline.
Comment: This sequence change replaces leucine, which is neutral and non-polar, with arginine, which is basic and polar, at codon 400 of the STK11 protein (p.Leu400Arg). This variant is not present in population databases (gnomAD no frequency). This variant has not been reported in the literature in individuals affected with STK11-related conditions. ClinVar contains an entry for this variant (Variation ID: 1746754). Invitae Evidence Modeling of protein sequence and biophysical properties (such as structural, functional, and spatial information, amino acid conservation, physicochemical variation, residue mobility, and thermodynamic stability) indicates that this missense variant is not expected to disrupt STK11 protein function with a negative predictive value of 95%. In summary, the available evidence is currently insufficient to determine the role of this variant in disease. Therefore, it has been classified as a Variant of Uncertain Significance.

All of Us Research Program, National Institutes of Health
Classification: Uncertain significance for Peutz-Jeghers syndrome. Last evaluated: 2022-11-28. Review status: criteria provided, single submitter. Criteria: ACMG Guidelines, 2015. Collection method: clinical testing. Allele origin: germline. Inheritance: Autosomal dominant inheritance. Observed: 1 variant allele, 1 heterozygote.
Comment: This study involves interpretation of variants in research participants for the purpose of population health screening. Participant phenotype was not available at the time of variant classification. Additional details can be found in publication PMID: 35346344, PMCID: PMC8962531